The following is an entry in ClinVar:

NM_016642.4(SPTBN5):c.5673+2T>C

Gene: SPTBN5 (spectrin beta, non-erythrocytic 5; minus strand). Cytogenetic location: 15q15.1.
Variant type: single nucleotide variant.
Coding change: c.5673+2T>C on transcript NM_016642.4 (MANE Select); the canonical splice donor site of the intron after coding-DNA position 5673, T replaced by C.
Molecular consequence: splice donor variant.
Genome position (GRCh38, 1-based): chr15:41,870,241, A>G on the plus strand (T>C on the coding strand, the complement: SPTBN5 is on the minus strand). VCF-style: chr15-41870241-A-G. GRCh37 (hg19) VCF-style: chr15-42162439-A-G.
Identifiers: ClinVar variation 5001176 (VCV005001176.1).

ClinVar aggregate classification (germline): Uncertain significance (1 of 4 stars; one submission).

Conditions:
SPTBN5-related disorder. Also called: SPTBN5-related condition.

Submission:

PreventionGenetics, part of Exact Sciences
Classification: Uncertain significance for SPTBN5-related condition. Last evaluated: 2025-07-04. Review status: criteria provided, single submitter. Criteria: ACMG Guidelines, 2015. Collection method: clinical testing. Allele origin: germline.
Comment: The SPTBN5 c.5673+2T>C variant is predicted to disrupt the GT donor site and interfere with normal splicing. This variant is predicted to alter splicing based on available splicing prediction programs (SpliceAI, Jaganathan et al. 2019. PubMed ID: 30661751). However, the use of computer prediction programs is not equivalent to functional evidence. To our knowledge, this variant has not been reported in the literature or in a large population database (gnomAD), indicating this variant is rare. At this time, the clinical significance of this variant is uncertain due to the absence of conclusive functional and genetic evidence.